The following is an entry in ClinVar:

ClinVar aggregate classification (germline): Uncertain significance (1 of 4 stars; one submission).

gnomAD v4.1: 11 of 1,612,072 alleles (0.00068%); highest among the groups gnomAD compares: East Asian, 0.013%; no homozygotes.

Submission:

GeneDx
Classification: Uncertain significance. Last evaluated: 2025-04-03. Review status: criteria provided, single submitter. Criteria: GeneDx Variant Classification Process June 2021. Collection method: clinical testing. Allele origin: germline. Affected: yes.
Comment: In silico analysis supports that this missense variant has a deleterious effect on protein structure/function; In silico analysis suggests this variant may impact gene splicing. In the absence of RNA/functional studies, the actual effect of this sequence change is unknown.; Has not been previously published as pathogenic or benign to our knowledge

NM_001297595.2(SIN3B):c.3133C>T (p.Arg1045Cys)

Gene: SIN3B (SIN3 transcription regulator family member B; plus strand). Cytogenetic location: 19p13.11.
Variant type: single nucleotide variant.
Coding change: c.3133C>T on transcript NM_001297595.2 (MANE Select); coding-DNA position 3133, C replaced by T.
Protein change: p.Arg1045Cys; replaces arginine 1045 with cysteine.
Molecular consequence: missense variant.
Genome position (GRCh38, 1-based): chr19:16,878,361, C>T. VCF-style: chr19-16878361-C-T. GRCh37 (hg19) VCF-style: chr19-16989172-C-T.
Other names: c.1903C>T, p.Arg635Cys (NM_001297597.2); c.3229C>T, p.Arg1077Cys (NM_015260.4); short protein forms R1045C, R1077C, R635C.
Identifiers: ClinVar variation 4278507 (VCV004278507.1).